The following is an entry in ClinVar:

ClinVar aggregate classification (germline): Conflicting classifications of pathogenicity. Review status: criteria provided, conflicting classifications (1 of 4 stars). 5 submissions from 5 submitters: Uncertain significance (2); Likely benign (2). 1 of the submissions does not count toward it. Last evaluated 2025-12-23.

Conditions:
POLD1-related disorder. Also called: POLD1-related disorders; POLD1-related condition.
Hereditary cancer-predisposing syndrome. Also called: Neoplastic Syndromes, Hereditary; Hereditary neoplastic syndrome; Hereditary Cancer Syndrome; Tumor predisposition. Identifiers: Orphanet 140162, MedGen C0027672, MeSH D009386, MONDO:0015356.
POLD1-related polyposis and colorectal cancer syndrome (CRCS10). Also called: Colorectal cancer, susceptibility to, 10; Colorectal cancer 10; COLORECTAL CANCER, SUSCEPTIBILITY TO, ON CHROMOSOME 19q. Identifiers: Orphanet 220460, MedGen C2675481, MONDO:0012953, OMIM 612591.

Allele frequency attached by ClinVar (database versions not stated): gnomAD 0.00001; gnomAD exomes 0.00001.
gnomAD v4.1: 13 of 1,501,868 alleles (0.00087%); highest among the groups gnomAD compares: Non-Finnish European, 0.0012%; no homozygotes.

Submissions (5):

Labcorp Genetics (formerly Invitae), Labcorp
Classification: Likely benign for POLD1-related polyposis and colorectal cancer syndrome. Last evaluated: 2025-12-23. Review status: criteria provided, single submitter. Criteria: Invitae Variant Classification Sherloc (09022015). Collection method: clinical testing. Allele origin: germline.

Ambry Genetics
Classification: Uncertain significance for Hereditary cancer-predisposing syndrome. Last evaluated: 2025-03-03. Review status: criteria provided, single submitter. Criteria: Ambry Variant Classification Scheme 2023. Collection method: clinical testing. Allele origin: germline.
Comment: The c.2820+3C>T intronic variant results from a C to T substitution 3 nucleotides after coding exon 21 in the POLD1 gene. This nucleotide position is well conserved in available vertebrate species. In silico splice site analysis predicts that this alteration will not have any significant effect on splicing. Based on the available evidence, the clinical significance of this variant remains unclear.

GeneDx
Classification: Likely benign. Last evaluated: 2019-12-17. Review status: criteria provided, single submitter. Criteria: GeneDx Variant Classification Process June 2021. Collection method: clinical testing. Allele origin: germline. Affected: yes.

Quest Diagnostics Nichols Institute San Juan Capistrano
Classification: Uncertain significance. Last evaluated: 2019-02-13. Review status: criteria provided, single submitter. Criteria: Quest Diagnostics criteria. Collection method: clinical testing. Allele origin: germline.

PreventionGenetics, part of Exact Sciences
Classification: Likely benign for POLD1-related condition. Last evaluated: 2019-05-17. Review status: no assertion criteria provided. Collection method: clinical testing. Allele origin: germline. Not counted in ClinVar's aggregate classification.
Comment: This variant is classified as likely benign based on ACMG/AMP sequence variant interpretation guidelines (Richards et al. 2015 PMID: 25741868, with internal and published modifications).

NM_002691.4(POLD1):c.2820+3C>T

Gene: POLD1 (DNA polymerase delta 1, catalytic subunit; plus strand). Cytogenetic location: 19q13.33.
Variant type: single nucleotide variant.
Coding change: c.2820+3C>T on transcript NM_002691.4 (MANE Select); 3 bases into the intron after coding-DNA position 2820, C replaced by T.
Molecular consequence: intron variant.
Genome position (GRCh38, 1-based): chr19:50,415,829, C>T. VCF-style: chr19-50415829-C-T. GRCh37 (hg19) VCF-style: chr19-50919086-C-T.
Other names: c.2820+3C>T (LRG_785t1, NM_001256849.1); c.2898+3C>T (LRG_785t2, NM_001308632.1).
Identifiers: ClinVar variation 408078 (VCV000408078.26), dbSNP rs986822818, ClinGen allele CA16616402.